The following is an entry in ClinVar:

NM_003701.4(TNFSF11):c.520G>A (p.Asp174Asn)

Genes: TNFSF11 (TNF superfamily member 11; plus strand), LOC126861753 (P300/CBP strongly-dependent group 1 enhancer GRCh37_chr13:43174688-43175887; plus strand). Cytogenetic location: 13q14.11.
Variant type: single nucleotide variant.
Coding change: c.520G>A on transcript NM_003701.4 (MANE Select); coding-DNA position 520, G replaced by A.
Protein change: p.Asp174Asn; replaces aspartic acid 174 with asparagine.
Molecular consequence: missense variant.
Genome position (GRCh38, 1-based): chr13:42,600,969, G>A. VCF-style: chr13-42600969-G-A. GRCh37 (hg19) VCF-style: chr13-43175105-G-A.
Other names: c.301G>A, p.Asp101Asn (NM_033012.4); short protein forms D101N, D174N.
Identifiers: ClinVar variation 884198 (VCV000884198.7), dbSNP rs746313384, ClinGen allele CA6967244.

ClinVar aggregate classification (germline): Conflicting classifications of pathogenicity. Review status: criteria provided, conflicting classifications (1 of 4 stars). 3 submissions from 3 submitters: Uncertain significance (2); Likely benign (1). Last evaluated 2025-04-19.

Conditions:
Autosomal recessive osteopetrosis 2. Also called: OSTEOPETROSIS, MILD AUTOSOMAL RECESSIVE FORM. Identifiers: Orphanet 667, MedGen C1850126, MONDO:0009816, OMIM 259710.
Inborn genetic diseases. Identifiers: MedGen C0950123, MeSH D030342.

Allele frequency attached by ClinVar (database versions not stated): gnomAD exomes 0.00001 and 0.00002; ExAC 0.00002; TOPMed 0.00002; gnomAD 0.00005 and 0.00006.
gnomAD v4.1: 26 of 1,614,028 alleles (0.0016%); highest among the groups gnomAD compares: African/African-American, 0.015%; no homozygotes.

Submissions (3):

Ambry Genetics
Classification: Likely benign for Inborn genetic diseases. Last evaluated: 2025-04-19. Review status: criteria provided, single submitter. Criteria: Ambry Variant Classification Scheme 2023. Collection method: clinical testing. Allele origin: germline.

Labcorp Genetics (formerly Invitae), Labcorp
Classification: Uncertain significance. Last evaluated: 2022-10-13. Review status: criteria provided, single submitter. Criteria: Invitae Variant Classification Sherloc (09022015). Collection method: clinical testing. Allele origin: germline.
Comment: This sequence change replaces aspartic acid, which is acidic and polar, with asparagine, which is neutral and polar, at codon 174 of the TNFSF11 protein (p.Asp174Asn). This variant is present in population databases (rs746313384, gnomAD 0.02%). This variant has not been reported in the literature in individuals affected with TNFSF11-related conditions. ClinVar contains an entry for this variant (Variation ID: 884198). Advanced modeling of protein sequence and biophysical properties (such as structural, functional, and spatial information, amino acid conservation, physicochemical variation, residue mobility, and thermodynamic stability) performed at Invitae indicates that this missense variant is not expected to disrupt TNFSF11 protein function. In summary, the available evidence is currently insufficient to determine the role of this variant in disease. Therefore, it has been classified as a Variant of Uncertain Significance.

Illumina Laboratory Services, Illumina
Classification: Uncertain significance for Autosomal recessive osteopetrosis 2. Last evaluated: 2018-01-13. Review status: criteria provided, single submitter. Criteria: ICSL Variant Classification Criteria 13 December 2019. Collection method: clinical testing. Allele origin: germline.